The following is an entry in ClinVar:

NM_001145165.2(DOHH):c.870C>T (p.Tyr290=)

Gene: DOHH (deoxyhypusine hydroxylase; minus strand). Cytogenetic location: 19p13.3.
Variant type: single nucleotide variant.
Coding change: c.870C>T on transcript NM_001145165.2 (MANE Select); coding-DNA position 870, C replaced by T.
Protein change: p.Tyr290=; no amino-acid change (tyrosine 290 retained).
Molecular consequence: synonymous variant.
Genome position (GRCh38, 1-based): chr19:3,491,531, G>A on the plus strand (C>T on the coding strand, the complement: DOHH is on the minus strand). VCF-style: chr19-3491531-G-A. GRCh37 (hg19) VCF-style: chr19-3491529-G-A.
Other names: c.870C>T, p.Tyr290= (NM_031304.5).
Identifiers: ClinVar variation 3905422 (VCV003905422.10).
Genomic context (GRCh38, chr19:3,491,531, plus strand): 5'-GCTCCGGGTGAGGGTGGGGCCCTAGGAGGGGGCCCCGCGCAGCTGCTCCAGGCCGTCCGC[G>A]TACTGGAAGGCCCGCCCGGTCTCGTGCTCATACATGTCCAGAGCCACCTCGCAGCTCTCA-3'
Protein context (NP_001138637.1, residues 280-300): YEHETGRAFQ[Tyr290=]ADGLEQLRGA

ClinVar aggregate classification (germline): Likely benign (1 of 4 stars; one submission).

gnomAD v4.1: 136 of 1,535,406 alleles (0.0089%); highest among the groups gnomAD compares: Non-Finnish European, 0.011%; no homozygotes.

Submission:

CeGaT Center for Human Genetics Tuebingen
Classification: Likely benign. Last evaluated: 2025-06-01. Review status: criteria provided, single submitter. Criteria: CeGaT Center For Human Genetics Tuebingen Variant Classification Criteria Version 2. Collection method: clinical testing. Allele origin: germline. Affected: yes. Observed: 1 variant allele.
Comment: DOHH: BP4, BP7